The following is an entry in ClinVar:

ClinVar aggregate classification (germline): Benign/Likely benign. Review status: criteria provided, multiple submitters, no conflicts (2 of 4 stars). 5 submissions from 5 submitters: Benign (1); Likely benign (4). Last evaluated 2025-12-10.

Conditions:
Hereditary cancer-predisposing syndrome. Also called: Hereditary neoplastic syndrome; Hereditary Cancer Syndrome; Neoplastic Syndromes, Hereditary; Tumor predisposition. Identifiers: Orphanet 140162, MedGen C0027672, MeSH D009386, MONDO:0015356.
Familial adenomatous polyposis 1 (FAP1). Also called: FAMILIAL ADENOMATOUS POLYPOSIS 1, ATTENUATED; POLYPOSIS, ADENOMATOUS INTESTINAL. Identifiers: MedGen C2713442, MONDO:0021056, OMIM 175100. Disease mechanism: loss of function.

Allele frequency attached by ClinVar (database versions not stated): TOPMed below 0.00001; ExAC 0.00001; gnomAD exomes 0.00001 and 0.00002.
gnomAD v4.1: 5 of 1,614,042 alleles (0.00031%); highest among the groups gnomAD compares: Admixed American, 0.0067%; no homozygotes.

Submissions (5):

Labcorp Genetics (formerly Invitae), Labcorp
Classification: Likely benign for Familial adenomatous polyposis 1. Last evaluated: 2025-12-10. Review status: criteria provided, single submitter. Criteria: Invitae Variant Classification Sherloc (09022015). Collection method: clinical testing. Allele origin: germline.

Myriad Genetics, Inc.
Classification: Benign for Familial adenomatous polyposis 1. Last evaluated: 2024-04-05. Review status: criteria provided, single submitter. Criteria: Myriad Autosomal Dominant, Autosomal Recessive and X-Linked Classification Criteria (2023). Collection method: clinical testing. Allele origin: unknown.
Comment: This variant is considered benign. This variant is a silent/synonymous amino acid change and it is not expected to impact splicing.

Color Diagnostics, LLC DBA Color Health
Classification: Likely benign for Hereditary cancer-predisposing syndrome. Last evaluated: 2022-11-06. Review status: criteria provided, single submitter. Criteria: ACMG Guidelines, 2015. Collection method: clinical testing. Allele origin: germline.

Quest Diagnostics Nichols Institute San Juan Capistrano
Classification: Likely benign. Last evaluated: 2021-03-28. Review status: criteria provided, single submitter. Criteria: Quest Diagnostics criteria. Collection method: clinical testing. Allele origin: unknown.

Ambry Genetics
Classification: Likely benign for Hereditary cancer-predisposing syndrome. Last evaluated: 2019-03-09. Review status: criteria provided, single submitter. Criteria: Ambry Variant Classification Scheme 2023. Collection method: clinical testing. Allele origin: germline.

NM_000038.6(APC):c.6885A>G (p.Ser2295=)

Gene: APC (APC regulator of Wnt signaling pathway; plus strand). Cytogenetic location: 5q22.2.
Variant type: single nucleotide variant.
Coding change: c.6885A>G on transcript NM_000038.6 (MANE Select); coding-DNA position 6885, A replaced by G.
Protein change: p.Ser2295=; no amino-acid change (serine 2295 retained).
Molecular consequence: synonymous variant.
Genome position (GRCh38, 1-based): chr5:112,842,479, A>G. VCF-style: chr5-112842479-A-G. GRCh37 (hg19) VCF-style: chr5-112178176-A-G.
Other names: c.6885A>G, p.Ser2295= (NM_001127510.3, NM_001354895.2); c.6831A>G, p.Ser2277= (NM_001127511.3); c.6939A>G, p.Ser2313= (NM_001354896.2); c.6915A>G, p.Ser2305= (NM_001354897.2); c.6810A>G, p.Ser2270= (NM_001354898.2); c.6801A>G, p.Ser2267= (NM_001354899.2); c.6762A>G, p.Ser2254= (NM_001354900.2); c.6708A>G, p.Ser2236= (NM_001354901.2); and 5 more.
Identifiers: ClinVar variation 236637 (VCV000236637.20), dbSNP rs763506865, ClinGen allele CA046358.
Genomic context (GRCh38, chr5:112,842,479, plus strand): 5'-GCCATCTGTGAAATCAGAATTAAGCCCTGTTGCCAGGCAGACATCCCAAATAGGTGGGTC[A>G]AGTAAAGCACCTTCTAGATCAGGATCTAGAGATTCGACCCCTTCAAGACCTGCCCAGCAA-3'
Protein context (NP_000029.2, residues 2285-2305): VARQTSQIGG[Ser2295=]SKAPSRSGSR